The following is an entry in ClinVar:

NC_000013.10:g.(32900751_32903579)_(32905168_32906408)del

Gene: BRCA2 (BRCA2 DNA repair associated; plus strand). Cytogenetic location: 13q13.1.
Variant type: Deletion.
Identifiers: ClinVar variation 4525719 (VCV004525719.1).

ClinVar aggregate classification (germline): Uncertain significance (1 of 4 stars; one submission).

Submission:

Women's Health and Genetics/Laboratory Corporation of America, LabCorp
Classification: Uncertain significance. Last evaluated: 2025-07-21. Review status: criteria provided, single submitter. Criteria: LabCorp Variant Classification Summary - May 2015. Collection method: clinical testing. Allele origin: germline.
Comment: Variant summary: The variant involves the deletion of exons 8-9 in the BRCA2 gene. A presumed nomenclature of c.(631+1_632-1)_(793+1_794-1)del has been designated for the purposes of this classification. This Copy Number Variant (CNV) is predicted to result in an in-frame deletion within this gene. The variant was absent in 21694 control chromosomes. The available data on variant occurrences in the general population are insufficient to allow any conclusion about variant significance. To our knowledge, no occurrence of c.(631+1_632-1)_(793+1_794-1)del in individuals affected with Hereditary Breast And Ovarian Cancer Syndrome, no experimental evidence demonstrating its impact on protein function have been reported, and no variants contained within the deleted region have been classified as likely pathogenic/pathogenic. ClinVar contains an entry for this variant (Variation ID: 3244173). Based on the evidence outlined above, the variant was classified as uncertain significance.